The following is an entry in ClinVar:

ClinVar aggregate classification (germline): Conflicting classifications of pathogenicity. Review status: criteria provided, conflicting classifications (1 of 4 stars). 2 submissions from 2 submitters: Uncertain significance (1); Likely benign (1). Last evaluated 2026-05-19.

Conditions:
Hereditary cancer-predisposing syndrome. Also called: Hereditary neoplastic syndrome; Neoplastic Syndromes, Hereditary; Tumor predisposition; Hereditary Cancer Syndrome. Identifiers: Orphanet 140162, MedGen C0027672, MeSH D009386, MONDO:0015356.

Submissions (2):

Ambry Genetics
Classification: Likely benign for Hereditary cancer-predisposing syndrome. Last evaluated: 2026-05-19. Review status: criteria provided, single submitter. Criteria: Ambry Variant Classification Scheme 2023. Collection method: clinical testing. Allele origin: germline.

Labcorp Genetics (formerly Invitae), Labcorp
Classification: Uncertain significance. Last evaluated: 2024-07-04. Review status: criteria provided, single submitter. Criteria: Invitae Variant Classification Sherloc (09022015). Collection method: clinical testing. Allele origin: germline.
Comment: This sequence change replaces glutamine, which is neutral and polar, with arginine, which is basic and polar, at codon 180 of the POLE protein (p.Gln180Arg). This variant is not present in population databases (gnomAD no frequency). This variant has not been reported in the literature in individuals affected with POLE-related conditions. ClinVar contains an entry for this variant (Variation ID: 1002703). Advanced modeling of protein sequence and biophysical properties (such as structural, functional, and spatial information, amino acid conservation, physicochemical variation, residue mobility, and thermodynamic stability) performed at Invitae indicates that this missense variant is not expected to disrupt POLE protein function with a negative predictive value of 80%. In summary, the available evidence is currently insufficient to determine the role of this variant in disease. Therefore, it has been classified as a Variant of Uncertain Significance.

NM_006231.4(POLE):c.539A>G (p.Gln180Arg)

Gene: POLE (DNA polymerase epsilon, catalytic subunit; minus strand). Cytogenetic location: 12q24.33.
Variant type: single nucleotide variant.
Coding change: c.539A>G on transcript NM_006231.4 (MANE Select); coding-DNA position 539, A replaced by G.
Protein change: p.Gln180Arg; replaces glutamine 180 with arginine.
Molecular consequence: missense variant.
Genome position (GRCh38, 1-based): chr12:132,679,536, T>C on the plus strand (A>G on the coding strand, the complement: POLE is on the minus strand). VCF-style: chr12-132679536-T-C. GRCh37 (hg19) VCF-style: chr12-133256122-T-C.
Other names: c.539A>G (NM_006231.2); short protein forms Q180R.
Identifiers: ClinVar variation 1002703 (VCV001002703.10), dbSNP rs2043122783, ClinGen allele CA387366888.
Genomic context (GRCh38, chr12:132,679,536, plus strand): 5'-GCTCACAAGACCAAAGTTTACCTGGAAAGCAGAGCTGTGTACGCGTCGCTGGCGTGATCC[T>C]GCTCCCTGTTCTTCTTCACGGCAGGGGAGATCTCCTTCCTCACTTTGACAAGATCCTCCA-3'
Protein context (NP_006222.2, residues 170-190): ISPAVKKNRE[Gln180Arg]DHASDAYTAL